The following is an entry in ClinVar:

ClinVar aggregate classification (germline): Uncertain significance (1 of 4 stars; one submission).

Conditions:
Joubert syndrome. Also called: CEREBELLOPARENCHYMAL DISORDER IV; JOUBERT-BOLTSHAUSER SYNDROME; Familial aplasia of the vermis. Identifiers: Orphanet 475, MedGen C5979921, MONDO:0018772.
Nephronophthisis. Also called: Juvenile Nephronophthisis. Identifiers: Orphanet 655, MedGen C0687120, MONDO:0019005, HP:0000090.
Meckel-Gruber syndrome. Also called: DYSENCEPHALIA SPLANCHNOCYSTICA; GRUBER SYNDROME; Dysencephalia splachnocystica. Identifiers: Orphanet 564, MedGen C0265215, MONDO:0018921.

Allele frequency attached by ClinVar (database versions not stated): gnomAD 0.00001; gnomAD exomes 0.00001; TOPMed 0.00001.
gnomAD v4.1: 9 of 1,613,394 alleles (0.00056%); highest among the groups gnomAD compares: Non-Finnish European, 0.00076%; no homozygotes.

Submission:

Labcorp Genetics (formerly Invitae), Labcorp
Classification: Uncertain significance for Joubert syndrome; Meckel-Gruber syndrome; Nephronophthisis. Last evaluated: 2023-10-16. Review status: criteria provided, single submitter. Criteria: Invitae Variant Classification Sherloc (09022015). Collection method: clinical testing. Allele origin: germline.
Comment: This sequence change replaces glutamic acid, which is acidic and polar, with lysine, which is basic and polar, at codon 534 of the CEP290 protein (p.Glu534Lys). This variant is present in population databases (no rsID available, gnomAD 0.0009%). This variant has not been reported in the literature in individuals affected with CEP290-related conditions. ClinVar contains an entry for this variant (Variation ID: 2147536). Advanced modeling of protein sequence and biophysical properties (such as structural, functional, and spatial information, amino acid conservation, physicochemical variation, residue mobility, and thermodynamic stability) performed at Invitae indicates that this missense variant is expected to disrupt CEP290 protein function. Algorithms developed to predict the effect of sequence changes on RNA splicing suggest that this variant may disrupt the consensus splice site. In summary, the available evidence is currently insufficient to determine the role of this variant in disease. Therefore, it has been classified as a Variant of Uncertain Significance.

NM_025114.4(CEP290):c.1600G>A (p.Glu534Lys)

Gene: CEP290 (centrosomal protein 290; minus strand). Cytogenetic location: 12q21.32.
Variant type: single nucleotide variant.
Coding change: c.1600G>A on transcript NM_025114.4 (MANE Select); coding-DNA position 1600, G replaced by A.
Protein change: p.Glu534Lys; replaces glutamic acid 534 with lysine.
Molecular consequence: missense variant.
Genome position (GRCh38, 1-based): chr12:88,118,666, C>T on the plus strand (G>A on the coding strand, the complement: CEP290 is on the minus strand). VCF-style: chr12-88118666-C-T. GRCh37 (hg19) VCF-style: chr12-88512443-C-T.
Other names: short protein forms E534K.
Identifiers: ClinVar variation 2147536 (VCV002147536.4), dbSNP rs895126773, ClinGen allele CA241151086.